The following is an entry in ClinVar:

NM_000756.4(CRH):c.456G>A (p.Arg152=)

Gene: CRH (corticotropin releasing hormone; minus strand). Cytogenetic location: 8q13.1.
Variant type: single nucleotide variant.
Coding change: c.456G>A on transcript NM_000756.4 (MANE Select); coding-DNA position 456, G replaced by A.
Protein change: p.Arg152=; no amino-acid change (arginine 152 retained).
Molecular consequence: synonymous variant.
Genome position (GRCh38, 1-based): chr8:66,177,022, C>T on the plus strand (G>A on the coding strand, the complement: CRH is on the minus strand). VCF-style: chr8-66177022-C-T. GRCh37 (hg19) VCF-style: chr8-67089257-C-T.
Identifiers: ClinVar variation 585726 (VCV000585726.13), dbSNP rs144205489, ClinGen allele CA4766136.

ClinVar aggregate classification (germline): Benign/Likely benign. Review status: criteria provided, multiple submitters, no conflicts (2 of 4 stars). 5 submissions from 5 submitters: Benign (2); Likely benign (2). 1 of the submissions does not count toward it. Last evaluated 2019-12-31.

Conditions:
CRH-related disorder. Also called: CRH-related condition.

Allele frequency attached by ClinVar (database versions not stated): gnomAD 0.00126 and 0.00146; ESP Exome Variant Server 0.00131; TOPMed 0.00144; 1000 Genomes Project 0.00200; 1000 Genomes Project 30x 0.00203; gnomAD exomes 0.00223 and 0.00314; ExAC 0.00339.
gnomAD v4.1: 3,509 of 1,614,034 alleles (0.22%); highest among the groups gnomAD compares: South Asian, 1.3%; 22 homozygotes.

Submissions (5):

Labcorp Genetics (formerly Invitae), Labcorp
Classification: Benign. Last evaluated: 2019-12-31. Review status: criteria provided, single submitter. Criteria: Invitae Variant Classification Sherloc (09022015). Collection method: clinical testing. Allele origin: germline.

Athena Diagnostics
Classification: Benign. Last evaluated: 2017-11-28. Review status: criteria provided, single submitter. Criteria: Athena Diagnostics Criteria. Collection method: clinical testing. Allele origin: germline.

Ambry Genetics
Classification: Likely benign. Last evaluated: 2016-07-24. Review status: criteria provided, single submitter. Criteria: Ambry Variant Classification Scheme 2023. Collection method: clinical testing. Allele origin: germline.

Breakthrough Genomics
Classification: Likely benign. Review status: criteria provided, single submitter. Criteria: ACMG Guidelines, 2015. Collection method: not provided. Allele origin: germline. Inheritance: Unknown mechanism. Affected: yes.

PreventionGenetics, part of Exact Sciences
Classification: Benign for CRH-related condition. Last evaluated: 2019-10-14. Review status: no assertion criteria provided. Collection method: clinical testing. Allele origin: germline. Not counted in ClinVar's aggregate classification.
Comment: This variant is classified as benign based on ACMG/AMP sequence variant interpretation guidelines (Richards et al. 2015 PMID: 25741868, with internal and published modifications).